The following is an entry in ClinVar:

ClinVar aggregate classification (germline): Uncertain significance (1 of 4 stars; one submission).

Submission:

Labcorp Genetics (formerly Invitae), Labcorp
Classification: Uncertain significance. Last evaluated: 2023-10-05. Review status: criteria provided, single submitter. Criteria: Invitae Variant Classification Sherloc (09022015). Collection method: clinical testing. Allele origin: germline.
Comment: This sequence change replaces proline, which is neutral and non-polar, with serine, which is neutral and polar, at codon 2003 of the MYO7A protein (p.Pro2003Ser). This variant is not present in population databases (gnomAD no frequency). This missense change has been observed in individual(s) with clinical features of MYO7A-related conditions (Invitae). In at least one individual the data is consistent with being in trans (on the opposite chromosome) from a pathogenic variant. Advanced modeling of protein sequence and biophysical properties (such as structural, functional, and spatial information, amino acid conservation, physicochemical variation, residue mobility, and thermodynamic stability) performed at Invitae indicates that this missense variant is not expected to disrupt MYO7A protein function. In summary, the available evidence is currently insufficient to determine the role of this variant in disease. Therefore, it has been classified as a Variant of Uncertain Significance.

NM_000260.4(MYO7A):c.6007C>T (p.Pro2003Ser)

Gene: MYO7A (myosin VIIA; plus strand). Cytogenetic location: 11q13.5.
Variant type: single nucleotide variant.
Coding change: c.6007C>T on transcript NM_000260.4 (MANE Select); coding-DNA position 6007, C replaced by T.
Protein change: p.Pro2003Ser; replaces proline 2003 with serine.
Molecular consequence: missense variant.
Genome position (GRCh38, 1-based): chr11:77,208,759, C>T. VCF-style: chr11-77208759-C-T. GRCh37 (hg19) VCF-style: chr11-76919804-C-T.
Other names: c.5893C>T, p.Pro1965Ser (NM_001127180.2); c.5860C>T, p.Pro1954Ser (NM_001369365.1); short protein forms P1965S, P2003S, P1954S.
Identifiers: ClinVar variation 2986139 (VCV002986139.3), dbSNP rs1221923423, ClinGen allele CA381934434.